The following is an entry in ClinVar:

ClinVar aggregate classification (germline): Pathogenic (1 of 4 stars; one submission).

Conditions:
Nephronophthisis. Also called: Juvenile Nephronophthisis. Identifiers: Orphanet 655, MedGen C0687120, MONDO:0019005, HP:0000090.

Submission:

Labcorp Genetics (formerly Invitae), Labcorp
Classification: Pathogenic for Nephronophthisis. Last evaluated: 2022-03-19. Review status: criteria provided, single submitter. Criteria: Invitae Variant Classification Sherloc (09022015). Collection method: clinical testing. Allele origin: germline.
Comment: This variant has not been reported in the literature in individuals affected with IQCB1-related conditions. Algorithms developed to predict the effect of sequence changes on RNA splicing suggest that this variant may create or strengthen a splice site. This variant is present in population databases (rs773848660, gnomAD 0.01%). This sequence change creates a premature translational stop signal (p.Glu243Aspfs*12) in the IQCB1 gene. It is expected to result in an absent or disrupted protein product. Loss-of-function variants in IQCB1 are known to be pathogenic (PMID: 15723066, 21901789, 23559409, 28041643). For these reasons, this variant has been classified as Pathogenic.

Literature cited by the submitters: PubMed 15723066; PubMed 21901789; PubMed 23559409; PubMed 28041643.

NM_001023570.4(IQCB1):c.729_754del (p.Glu243fs)

Gene: IQCB1 (IQ motif containing B1; minus strand). Cytogenetic location: 3q13.33.
Variant type: Deletion.
Coding change: c.729_754del on transcript NM_001023570.4 (MANE Select); coding-DNA positions 729 to 754, 26 bases deleted (AATTTTGATTTTACTGAGACAAAGTA).
Protein change: p.Glu243fs; shifts the reading frame from glutamic acid 243.
Molecular consequence: frameshift variant. On other transcripts: non-coding transcript variant (1), intron variant (1).
Genome position (GRCh38, 1-based): chr3:121,799,208-121,799,233, TACTTTGTCTCAGTAAAATCAAAATT deleted on the plus strand (AATTTTGATTTTACTGAGACAAAGTA on the coding strand, the reverse complement: IQCB1 is on the minus strand); deleting any 26 consecutive bases within chr3:121,799,208-121,799,234 gives the same sequence; the c. name uses the placement nearest the transcript's 3' end. VCF-style (leftmost placement, unchanged base first): chr3-121799207-GTACTTTGTCTCAGTAAAATCAAAATT-G. GRCh37 (hg19) VCF-style: chr3-121518054-GTACTTTGTCTCAGTAAAATCAAAATT-G.
Other names: c.729_754del, p.Glu243fs (NM_001319107.2); c.587+8111_587+8136del (NM_001023571.4); short protein forms E243fs.
Identifiers: ClinVar variation 1365976 (VCV001365976.6), dbSNP rs773848660, ClinGen allele CA2567327.